The following is an entry in ClinVar:

ClinVar aggregate classification (germline): Uncertain significance (1 of 4 stars; one submission).

Conditions:
Tuberous sclerosis 1 (TSC1). Identifiers: Orphanet 805, MedGen C1854465, MONDO:0008612, OMIM 191100.

Submission:

Labcorp Genetics (formerly Invitae), Labcorp
Classification: Uncertain significance for Tuberous sclerosis 1. Last evaluated: 2021-07-08. Review status: criteria provided, single submitter. Criteria: Invitae Variant Classification Sherloc (09022015). Collection method: clinical testing. Allele origin: germline.
Comment: Algorithms developed to predict the effect of missense changes on protein structure and function are either unavailable or do not agree on the potential impact of this missense change (SIFT: "Deleterious"; PolyPhen-2: "Possibly Damaging"; Align-GVGD: "Class C15"). This variant has not been reported in the literature in individuals with TSC1-related conditions. ClinVar contains an entry for this variant (Variation ID: 581526). This variant is not present in population databases (ExAC no frequency). This sequence change replaces serine with phenylalanine at codon 201 of the TSC1 protein (p.Ser201Phe). The serine residue is highly conserved and there is a large physicochemical difference between serine and phenylalanine. In summary, the available evidence is currently insufficient to determine the role of this variant in disease. Therefore, it has been classified as a Variant of Uncertain Significance.

NM_000368.5(TSC1):c.602C>T (p.Ser201Phe)

Gene: TSC1 (TSC complex subunit 1; minus strand). Cytogenetic location: 9q34.13.
Variant type: single nucleotide variant.
Coding change: c.602C>T on transcript NM_000368.5 (MANE Select); coding-DNA position 602, C replaced by T.
Protein change: p.Ser201Phe; replaces serine 201 with phenylalanine.
Molecular consequence: missense variant.
Genome position (GRCh38, 1-based): chr9:132,921,880, G>A on the plus strand (C>T on the coding strand, the complement: TSC1 is on the minus strand). VCF-style: chr9-132921880-G-A. GRCh37 (hg19) VCF-style: chr9-135797267-G-A.
Other names: c.602C>T, p.Ser201Phe (NM_001162426.2); c.449C>T, p.Ser150Phe (NM_001162427.2); c.239C>T, p.Ser80Phe (NM_001362177.2); short protein forms S201F, S80F, S150F.
Identifiers: ClinVar variation 581526 (VCV000581526.10), dbSNP rs1564498038, ClinGen allele CA375372513.
Genomic context (GRCh38, chr9:132,921,880, plus strand): 5'-TTGACCACTTCTTCAAAAGTCTCCAGGTTTTCTTTCATACTGTAATGAGAACGCAAAAAG[G>A]AGACGAAGTTGCAAGGGTACATTCCATAAAGGCGATGAAAGAGTGCGTACACACTGGCAT-3'
Protein context (NP_000359.1, residues 191-211): LYGMYPCNFV[Ser201Phe]FLRSHYSMKE